The following is an entry in ClinVar:

NM_001382391.1(CSPP1):c.3289G>A (p.Ala1097Thr)

Genes: ARFGEF1 (ARF guanine nucleotide exchange factor 1; minus strand), CSPP1 (centrosome and spindle pole associated protein 1; plus strand). Cytogenetic location: 8q13.2.
Variant type: single nucleotide variant.
Coding change: c.3289G>A on transcript NM_001382391.1 (MANE Select); coding-DNA position 3289, G replaced by A.
Protein change: p.Ala1097Thr; replaces alanine 1097 with threonine.
Molecular consequence: missense variant. On other transcripts: intron variant (2).
Genome position (GRCh38, 1-based): chr8:67,190,718, G>A. VCF-style: chr8-67190718-G-A. GRCh37 (hg19) VCF-style: chr8-68102953-G-A.
Other names: c.2590G>A, p.Ala864Thr (NM_001438332.1); c.3274G>A, p.Ala1092Thr (NM_024790.7, NM_001438331.1); c.5367+9678C>T (NM_001413186.1); c.5385+9678C>T (NM_001413187.1); c.2239G>A, p.Ala747Thr (NM_001291339.2); c.3208G>A, p.Ala1070Thr (NM_001363131.2); c.3094G>A, p.Ala1032Thr (NM_001363132.2); c.3013G>A, p.Ala1005Thr (NM_001363133.2); and 3 more; short protein forms A1097T, A1119T, A747T, A1092T, A1005T, A1032T, A1059T, A1070T.
Identifiers: ClinVar variation 2194122 (VCV002194122.3), dbSNP rs774501418, ClinGen allele CA4771122.

ClinVar aggregate classification (germline): Uncertain significance (1 of 4 stars; one submission).

Conditions:
Joubert syndrome 21 (JBTS21). Identifiers: MedGen C3810212, MONDO:0014288, OMIM 615636.

Allele frequency attached by ClinVar (database versions not stated): gnomAD exomes 0.00001; ExAC 0.00004; TOPMed below 0.00001.
gnomAD v4.1: 8 of 1,614,018 alleles (0.0005%); highest among the groups gnomAD compares: Non-Finnish European, 0.00042%; no homozygotes.

Submission:

Labcorp Genetics (formerly Invitae), Labcorp
Classification: Uncertain significance for Joubert syndrome 21. Last evaluated: 2022-09-27. Review status: criteria provided, single submitter. Criteria: Invitae Variant Classification Sherloc (09022015). Collection method: clinical testing. Allele origin: germline.
Comment: In summary, the available evidence is currently insufficient to determine the role of this variant in disease. Therefore, it has been classified as a Variant of Uncertain Significance. Algorithms developed to predict the effect of missense changes on protein structure and function are either unavailable or do not agree on the potential impact of this missense change (SIFT: "Deleterious"; PolyPhen-2: "Probably Damaging"; Align-GVGD: "Class C0"). This sequence change replaces alanine, which is neutral and non-polar, with threonine, which is neutral and polar, at codon 1092 of the CSPP1 protein (p.Ala1092Thr). This variant is present in population databases (rs774501418, gnomAD 0.009%). This variant has not been reported in the literature in individuals affected with CSPP1-related conditions.